The following is an entry in ClinVar:

ClinVar aggregate classification (germline): Uncertain significance (1 of 4 stars; one submission).

Submission:

GeneDx
Classification: Uncertain significance. Last evaluated: 2023-04-30. Review status: criteria provided, single submitter. Criteria: GeneDx Variant Classification Process June 2021. Collection method: clinical testing. Allele origin: germline. Affected: yes.
Comment: Not observed at significant frequency in large population cohorts (gnomAD); Has not been previously published as pathogenic or benign to our knowledge; In silico analysis is inconclusive as to whether the variant alters gene splicing. In the absence of RNA/functional studies, the actual effect of this sequence change is unknown.

NM_001366145.2(TRPM3):c.1632+1del

Gene: TRPM3 (transient receptor potential cation channel subfamily M member 3; minus strand). Cytogenetic location: 9q21.12.
Variant type: Deletion.
Coding change: c.1632+1del on transcript NM_001366145.2 (MANE Select); the canonical splice donor site of the intron after coding-DNA position 1632, one base deleted (G; older notation c.1632+1delG).
Molecular consequence: splice donor variant.
Genome position (GRCh38, 1-based): chr9:70,635,210, C deleted on the plus strand (G on the coding strand, the reverse complement: TRPM3 is on the minus strand); the first of 2 consecutive C bases (chr9:70,635,210-70,635,211); deleting either gives the same sequence. VCF-style (leftmost placement, unchanged base first): chr9-70635209-AC-A. GRCh37 (hg19) VCF-style: chr9-73250125-AC-A.
Other names: c.1638+1del (NM_001366143.2, NM_001366141.2, NM_001366142.2); c.1632+1del (NM_001366150.2, NM_001366151.2, NM_001007471.4 and 2 more transcripts); c.1707+1del (NM_001366148.2, NM_001366152.2, NM_001366147.2); c.1173+1del (NM_206944.5, NM_020952.6, NM_206945.5 and 2 more transcripts); c.1248+1del (NM_206947.5, NM_206946.5).
Identifiers: ClinVar variation 2662894 (VCV002662894.1), dbSNP rs2539700450, ClinGen allele CA2690247046.